The following is an entry in ClinVar:

NM_002250.3(KCNN4):c.1018C>A (p.His340Asn)

Gene: KCNN4 (potassium calcium-activated channel subfamily N member 4; minus strand). Cytogenetic location: 19q13.31.
Variant type: single nucleotide variant.
Coding change: c.1018C>A on transcript NM_002250.3 (MANE Select); coding-DNA position 1018, C replaced by A.
Protein change: p.His340Asn; replaces histidine 340 with asparagine.
Molecular consequence: missense variant.
Genome position (GRCh38, 1-based): chr19:43,769,473, G>T on the plus strand (C>A on the coding strand, the complement: KCNN4 is on the minus strand). VCF-style: chr19-43769473-G-T. GRCh37 (hg19) VCF-style: chr19-44273625-G-T.
Other names: p.His340Asn; c.1018C>A (NM_002250.2); short protein forms H340N.
Identifiers: ClinVar variation 2007816 (VCV002007816.14), dbSNP rs76935412, ClinGen allele CA9491836.

ClinVar aggregate classification (germline): Conflicting classifications of pathogenicity. Review status: criteria provided, conflicting classifications (1 of 4 stars). 8 submissions from 8 submitters: Uncertain significance (3); Likely benign (4). 1 of the submissions does not count toward it. Last evaluated 2026-08-01.

Conditions:
Primary ciliary dyskinesia 5. Also called: CILIARY DYSKINESIA, PRIMARY, 5, WITHOUT SITUS INVERSUS. Identifiers: Orphanet 244, MedGen C1837615, MONDO:0012088, OMIM 608647.
Dehydrated hereditary stomatocytosis 2 (DHS2). Also called: XEROCYTOSIS GARDOS; DESICCYTOSIS GARDOS. Identifiers: Orphanet 3202, MedGen C4225242, MONDO:0014737, OMIM 616689.
KCNN4-related disorder. Also called: KCNN4-related condition.

Allele frequency attached by ClinVar (database versions not stated): 1000 Genomes Project 0.00040; 1000 Genomes Project 30x 0.00047; gnomAD 0.00094; ESP Exome Variant Server 0.00115; TOPMed 0.00115; gnomAD exomes 0.00119; ExAC 0.00139.
gnomAD v4.1: 1,927 of 1,614,232 alleles (0.12%); highest among the groups gnomAD compares: Middle Eastern, 0.86%; 4 homozygotes.

Submissions (8):

CeGaT Center for Human Genetics Tuebingen
Classification: Likely benign. Last evaluated: 2026-08-01. Review status: criteria provided, single submitter. Criteria: CeGaT Center For Human Genetics Tuebingen Variant Classification Criteria Version 2. Collection method: clinical testing. Allele origin: germline. Affected: yes. Observed: 2 variant alleles.
Comment: KCNN4: BS2

Labcorp Genetics (formerly Invitae), Labcorp
Classification: Likely benign. Last evaluated: 2025-12-10. Review status: criteria provided, single submitter. Criteria: Invitae Variant Classification Sherloc (09022015). Collection method: clinical testing. Allele origin: germline.

Mayo Clinic Laboratories, Mayo Clinic
Classification: Uncertain significance. Last evaluated: 2025-07-16. Review status: criteria provided, single submitter. Criteria: ACMG Guidelines, 2015. Collection method: clinical testing. Allele origin: germline. Observed: 6 variant alleles.
Comment: PP3, PS3

Johns Hopkins Genomics, Johns Hopkins University
Classification: Likely benign for Primary ciliary dyskinesia 5. Last evaluated: 2024-12-27. Review status: criteria provided, single submitter. Criteria: ACMG Guidelines, 2015. Collection method: clinical testing. Allele origin: germline.
Comment: This variant is classified as likely benign (PS3_moderate, BS2_supporting, BP5).

Blueprint Genetics
Classification: Likely benign. Last evaluated: 2024-11-04. Review status: criteria provided, single submitter. Criteria: ACMG Guidelines, 2015. Collection method: clinical testing. Allele origin: germline.

Department of Pathology and Laboratory Medicine, Sinai Health System
Classification: Uncertain significance for Dehydrated hereditary stomatocytosis 2. Last evaluated: 2023-04-06. Review status: criteria provided, single submitter. Criteria: ACMG Guidelines, 2015. Collection method: research. Allele origin: germline.

GeneDx
Classification: Uncertain significance. Last evaluated: 2023-03-13. Review status: criteria provided, single submitter. Criteria: GeneDx Variant Classification Process June 2021. Collection method: clinical testing. Allele origin: germline. Affected: yes.
Comment: Reported in two probands with clinical suspicion of hereditary erythrocyte defects, but parental segregation information was not provided and both individuals were reported to have potentially causative variants in other genes as well (Andolfo et al., 2021); Reported in an individual with transient anemia in infancy, but the variant was inherited from an asymptomatic mother (Allegrini et al., 2022); In silico analysis supports that this missense variant has a deleterious effect on protein structure/function; This variant is associated with the following publications: (PMID: 34201899, 36003639)

PreventionGenetics, part of Exact Sciences
Classification: Likely benign for KCNN4-related condition. Last evaluated: 2021-11-11. Review status: no assertion criteria provided. Collection method: clinical testing. Allele origin: germline. Not counted in ClinVar's aggregate classification.
Comment: This variant is classified as likely benign based on ACMG/AMP sequence variant interpretation guidelines (Richards et al. 2015 PMID: 25741868, with internal and published modifications).

Literature cited by the submitters: PubMed 34201899 (cited by Mayo Clinic Laboratories, Mayo Clinic and Johns Hopkins Genomics, Johns Hopkins University); PubMed 36003639 (cited by Mayo Clinic Laboratories, Mayo Clinic and Johns Hopkins Genomics, Johns Hopkins University); PubMed 36864026 (cited by Mayo Clinic Laboratories, Mayo Clinic); PubMed 36882369 (cited by Mayo Clinic Laboratories, Mayo Clinic); PubMed 26148990 (cited by Johns Hopkins Genomics, Johns Hopkins University).